The following is an entry in ClinVar:

ClinVar aggregate classification (germline): Uncertain significance (1 of 4 stars; one submission).

Submission:

Women's Health and Genetics/Laboratory Corporation of America, LabCorp
Classification: Uncertain significance. Last evaluated: 2019-01-04. Review status: criteria provided, single submitter. Criteria: LabCorp Variant Classification Summary - May 2015. Collection method: clinical testing. Allele origin: germline.
Comment: Variant summary: BCORL1 c.3963_3965dupAGA (p.Glu1324dup) results in an in-frame insertion that is predicted to insert one Glu amino acid in a Glu repeat region in the BCL-6 corepressor, non-ankyrin-repeat domain. The variant allele was found at a frequency of 5.7e-06 in 176025 control chromosomes (gnomAD). The available data on variant occurrences in the general population are insufficient to allow any conclusion about variant significance. To our knowledge, no occurrence of c.3963_3965dupAGA in individuals affected with Intellectual disability and no experimental evidence demonstrating its impact on protein function have been reported. No clinical diagnostic laboratories have submitted clinical-significance assessments for this variant to ClinVar after 2014. Based on the evidence outlined above, the variant was classified as uncertain significance.

NM_001379451.1(BCORL1):c.3960AGA[3] (p.Glu1324dup)

Gene: BCORL1 (BCL6 corepressor like 1; plus strand). Cytogenetic location: Xq26.1.
Variant type: Microsatellite.
Coding change: c.3960AGA[3] on transcript NM_001379451.1 (MANE Select); three copies in a row of the 3-base unit AGA starting at c.3960; the reference has two copies in a row; one copy, 3 bases duplicated.
Protein change: p.Glu1324dup; duplicates glutamic acid 1324.
Molecular consequence: inframe insertion.
Genome position (GRCh38, 1-based): chrX:130,025,264-130,025,266, AGA duplicated; duplicating any 3 consecutive bases within chrX:130,025,259-130,025,266 gives the same sequence; the position shown is the placement nearest the transcript's 3' end. VCF-style (leftmost placement, unchanged base first): chrX-130025258-G-GGAA. GRCh37 (hg19) VCF-style: chrX-129159233-G-GGAA.
Other names: c.3960AGA[3], p.Glu1324dup (NM_001184772.3, NM_001379450.1, NM_021946.5).
Identifiers: ClinVar variation 928581 (VCV000928581.1), dbSNP rs1292902846, ClinGen allele CA644575832.
Genomic context (GRCh38, chrX:130,025,258, plus strand): 5'-AGAAATGCCCTGGAGGACAGAGGCTGCCCGGCAAATGTGGGACACCAATGAGGAGGAGGA[G>GGAA]GAAGAAGAGGAGGAGGGCCTGCTGAAGAGGAAGAAACGAAGACGGCAGAAGAGCCGAAAA-3'